The following is an entry in ClinVar:

ClinVar aggregate classification (germline): Likely pathogenic (3 of 4 stars; one submission).

Conditions:
Hereditary factor IX deficiency disease (HEMB). Also called: F9 DEFICIENCY; FACTOR IX DEFICIENCY; PLASMA THROMBOPLASTIN COMPONENT DEFICIENCY; Hemophilia B; Christmas Disease. Identifiers: Orphanet 98879, MedGen C0008533, MeSH D002836, MONDO:0010604, OMIM 306900.

Submission:

ClinGen Coagulation Factor Deficiency Variant Curation Expert Panel, Clingen
Classification: Likely pathogenic for Hereditary factor IX deficiency disease. Last evaluated: 2025-10-03. Review status: reviewed by expert panel. Criteria: ClinGen CoagFactor ACMG Specifications F9 V1.0.0. Collection method: curation. Allele origin: germline. Inheritance: X-linked inheritance.
Comment: The c.802T>C (NM_000133.4) variant in F9 is a missense variant predicted to cause substitution of cysteine by arginine at amino acid 268 (p.Cys268Arg). This variant has been reported in >4 probands with severe FIX deficiency, meeting phenotypic criteria for F9 (PS4 - PMIDs :17014892, 24375831, 15921378). This variant is absent from males in population databases (gnomAD v2.1.1/gnomAD v3/ gnomAD v4.1.0), meeting PM2_Supporting. The computational predictor REVEL gives a score of 0.958, which is above the threshold of 0.6, evidence that correlates with impact to F9 function (PP3). A different missense variant causing a change at the same residue (p.Cys268Tyr) has been established as pathogenic for F9 and SpliceAI predicts no impact on splicing (PM5). In summary, this variant meets criteria to be classified as likely pathogenic. ACMG/AMP criteria applied, as specified by the Coagulation Factor Deficiency Variant Curation Expert Panel for F9: PS4 + PM2_supporting + PP3 + PM5. (ClinGen Coagulation Factor Deficiency Expert Panel Specifications to the ACMG/AMP Variant Interpretation Guidelines for F9 Version 1.0.0., Released 10/5/2023).

NM_000133.4(F9):c.802T>C (p.Cys268Arg)

Gene: F9 (coagulation factor IX; plus strand). Cytogenetic location: Xq27.1.
Variant type: single nucleotide variant.
Coding change: c.802T>C on transcript NM_000133.4 (MANE Select); coding-DNA position 802, T replaced by C.
Protein change: p.Cys268Arg; replaces cysteine 268 with arginine.
Molecular consequence: missense variant.
Genome position (GRCh38, 1-based): chrX:139,560,819, T>C. VCF-style: chrX-139560819-T-C. GRCh37 (hg19) VCF-style: chrX-138642978-T-C.
Other names: NM_001313913.2:c.688T>C; c.688T>C, p.Cys230Arg (NM_001313913.2); short protein forms C230R, C268R.
Identifiers: ClinVar variation 4686603 (VCV004686603.1).